The following is an entry in ClinVar:

ClinVar aggregate classification (germline): Benign/Likely benign. Review status: criteria provided, multiple submitters, no conflicts (2 of 4 stars). 7 submissions from 6 submitters: Benign (2); Likely benign (5). Last evaluated 2025-12-22.

Conditions:
Aortic valve disease 1 (AOVD1). Identifiers: MedGen C3887892, MONDO:0024523, OMIM 109730.
Familial thoracic aortic aneurysm and aortic dissection (TAAD). Also called: Thoracic aortic aneurysms and dissections. Identifiers: Orphanet 91387, MedGen C4707243, MONDO:0019625.
Adams-Oliver syndrome 5 (AOS5). Identifiers: Orphanet 974, MedGen C4014970, MONDO:0014459, OMIM 616028.

Allele frequency attached by ClinVar (database versions not stated): gnomAD 0.00001; TOPMed 0.00002; gnomAD exomes 0.00003 and 0.00006; ExAC 0.00004.
gnomAD v4.1: 91 of 1,612,662 alleles (0.0056%); highest among the groups gnomAD compares: East Asian, 0.016%; no homozygotes.

Submissions (7):

Labcorp Genetics (formerly Invitae), Labcorp
Classification: Likely benign for Adams-Oliver syndrome 5. Last evaluated: 2025-12-22. Review status: criteria provided, single submitter. Criteria: Invitae Variant Classification Sherloc (09022015). Collection method: clinical testing. Allele origin: germline.

Women's Health and Genetics/Laboratory Corporation of America, LabCorp
Classification: Likely benign. Last evaluated: 2024-04-08. Review status: criteria provided, single submitter. Criteria: LabCorp Variant Classification Summary - May 2015. Collection method: clinical testing. Allele origin: germline.

Genome-Nilou Lab
Classification: Benign for Adams-Oliver syndrome 5. Last evaluated: 2022-03-15. Review status: criteria provided, single submitter. Criteria: ACMG Guidelines, 2015. Collection method: clinical testing. Allele origin: germline. Affected: no.

Genome-Nilou Lab
Classification: Benign for Aortic valve disease 1. Last evaluated: 2022-03-15. Review status: criteria provided, single submitter. Criteria: ACMG Guidelines, 2015. Collection method: clinical testing. Allele origin: germline. Affected: no.

Blueprint Genetics
Classification: Likely benign. Last evaluated: 2020-01-20. Review status: criteria provided, single submitter. Criteria: ACMG Guidelines, 2015. Collection method: clinical testing. Allele origin: germline.

Ambry Genetics
Classification: Likely benign for Familial thoracic aortic aneurysm and aortic dissection. Last evaluated: 2017-01-03. Review status: criteria provided, single submitter. Criteria: Ambry Variant Classification Scheme 2023. Collection method: clinical testing. Allele origin: germline.

GeneDx
Classification: Likely benign. Last evaluated: 2016-11-21. Review status: criteria provided, single submitter. Criteria: GeneDx Variant Classification (06012015). Collection method: clinical testing. Allele origin: germline. Affected: yes.
Comment: This variant is considered likely benign or benign based on one or more of the following criteria: it is a conservative change, it occurs at a poorly conserved position in the protein, it is predicted to be benign by multiple in silico algorithms, and/or has population frequency not consistent with disease.

Literature cited by the submitters: PubMed 24943832 (cited by Women's Health and Genetics/Laboratory Corporation of America, LabCorp); PubMed 16614245 (cited by Women's Health and Genetics/Laboratory Corporation of America, LabCorp); PubMed 21670202 (cited by Women's Health and Genetics/Laboratory Corporation of America, LabCorp); PubMed 22210878 (cited by Women's Health and Genetics/Laboratory Corporation of America, LabCorp); PubMed 19635999 (cited by Women's Health and Genetics/Laboratory Corporation of America, LabCorp); PubMed 26837699 (cited by Women's Health and Genetics/Laboratory Corporation of America, LabCorp); PubMed 23086750 (cited by Women's Health and Genetics/Laboratory Corporation of America, LabCorp); PubMed 19245433 (cited by Women's Health and Genetics/Laboratory Corporation of America, LabCorp); PubMed 22077063 (cited by Women's Health and Genetics/Laboratory Corporation of America, LabCorp); PubMed 15472075 (cited by Women's Health and Genetics/Laboratory Corporation of America, LabCorp); PubMed 23734977 (cited by Women's Health and Genetics/Laboratory Corporation of America, LabCorp); PubMed 22858860 (cited by Women's Health and Genetics/Laboratory Corporation of America, LabCorp).

NM_017617.5(NOTCH1):c.7047G>A (p.Pro2349=)

Gene: NOTCH1 (notch receptor 1; minus strand). Cytogenetic location: 9q34.3.
Variant type: single nucleotide variant.
Coding change: c.7047G>A on transcript NM_017617.5 (MANE Select); coding-DNA position 7047, G replaced by A.
Protein change: p.Pro2349=; no amino-acid change (proline 2349 retained).
Molecular consequence: synonymous variant.
Genome position (GRCh38, 1-based): chr9:136,496,692, C>T on the plus strand (G>A on the coding strand, the complement: NOTCH1 is on the minus strand). VCF-style: chr9-136496692-C-T. GRCh37 (hg19) VCF-style: chr9-139391144-C-T.
Other names: c.7047G>A, p.Pro2349= (LRG_1122t1).
Identifiers: ClinVar variation 390953 (VCV000390953.19), dbSNP rs775336930, ClinGen allele CA5339762.